The following is an entry in ClinVar:

ClinVar aggregate classification (germline): Uncertain significance (1 of 4 stars; one submission).

Submission:

GeneDx
Classification: Uncertain significance. Last evaluated: 2021-10-07. Review status: criteria provided, single submitter. Criteria: GeneDx Variant Classification Process June 2021. Collection method: clinical testing. Allele origin: germline. Affected: yes.
Comment: Not observed at significant frequency in large population cohorts (Lek et al., 2016); In silico analysis supports that this missense variant has a deleterious effect on protein structure/function; This variant is associated with the following publications: (PMID: 20414677)

NM_000020.3(ACVRL1):c.1003A>C (p.Asn335His)

Gene: ACVRL1 (activin A receptor like type 1; plus strand). Cytogenetic location: 12q13.13.
Variant type: single nucleotide variant.
Coding change: c.1003A>C on transcript NM_000020.3 (MANE Select); coding-DNA position 1003, A replaced by C.
Protein change: p.Asn335His; replaces asparagine 335 with histidine.
Molecular consequence: missense variant.
Genome position (GRCh38, 1-based): chr12:51,915,455, A>C. VCF-style: chr12-51915455-A-C. GRCh37 (hg19) VCF-style: chr12-52309239-A-C.
Other names: c.1003A>C, p.Asn335His (NM_001077401.2); short protein forms N335H.
Identifiers: ClinVar variation 1303033 (VCV001303033.2), dbSNP rs2139073985, ClinGen allele CA384901587.